The following is an entry in ClinVar:

NM_000138.5(FBN1):c.4210+5G>A

Gene: FBN1 (fibrillin 1; minus strand). Cytogenetic location: 15q21.1.
Variant type: single nucleotide variant.
Coding change: c.4210+5G>A on transcript NM_000138.5 (MANE Select); 5 bases into the intron after coding-DNA position 4210, G replaced by A.
Molecular consequence: intron variant.
Genome position (GRCh38, 1-based): chr15:48,474,250, C>T on the plus strand (G>A on the coding strand, the complement: FBN1 is on the minus strand). VCF-style: chr15-48474250-C-T. GRCh37 (hg19) VCF-style: chr15-48766447-C-T.
Other names: c.4210+5G>A (NM_001406716.1).
Identifiers: ClinVar variation 4756148 (VCV004756148.1).

ClinVar aggregate classification (germline): Uncertain significance (1 of 4 stars; one submission).

Conditions:
Familial thoracic aortic aneurysm and aortic dissection (TAAD). Also called: Thoracic aortic aneurysms and dissections. Identifiers: Orphanet 91387, MedGen C4707243, MONDO:0019625.

Submission:

Color Diagnostics, LLC DBA Color Health
Classification: Uncertain significance for Familial thoracic aortic aneurysm and aortic dissection. Last evaluated: 2025-08-18. Review status: criteria provided, single submitter. Criteria: ACMG Guidelines, 2015. Collection method: clinical testing. Allele origin: germline.
Comment: This variant causes a G to A nucleotide substitution at the +5 position of intron 34 of the FBN1 gene. To our knowledge, functional studies have not been reported for this variant. This variant has not been reported in individuals affected with FBN1-related disorders in the literature. This variant has not been identified in the general population by the Genome Aggregation Database (gnomAD). The available evidence is insufficient to determine the role of this variant in disease conclusively. Therefore, this variant is classified as a Variant of Uncertain Significance.